The following is an entry in ClinVar:

NM_006412.4(AGPAT2):c.223G>A (p.Gly75Arg)

Gene: AGPAT2 (1-acylglycerol-3-phosphate O-acyltransferase 2; minus strand). Cytogenetic location: 9q34.3.
Variant type: single nucleotide variant.
Coding change: c.223G>A on transcript NM_006412.4 (MANE Select); coding-DNA position 223, G replaced by A.
Protein change: p.Gly75Arg; replaces glycine 75 with arginine.
Molecular consequence: missense variant.
Genome position (GRCh38, 1-based): chr9:136,677,516, C>T on the plus strand (G>A on the coding strand, the complement: AGPAT2 is on the minus strand). VCF-style: chr9-136677516-C-T. GRCh37 (hg19) VCF-style: chr9-139571968-C-T.
Other names: c.223G>A, p.Gly75Arg (NM_001012727.2); short protein forms G75R.
Identifiers: ClinVar variation 1896275 (VCV001896275.4), dbSNP rs556809277, ClinGen allele CA5343103.

ClinVar aggregate classification (germline): Uncertain significance. Review status: criteria provided, multiple submitters, no conflicts (2 of 4 stars). 2 submissions from 2 submitters: Uncertain significance (2). Last evaluated 2024-03-01.

Conditions:
Congenital generalized lipodystrophy type 1 (CGL1). Also called: Berardinelli-Seip Congenital Lipodystrophy Type 1; BRUNZELL SYNDROME, AGPAT2-RELATED. Identifiers: Orphanet 528, Orphanet 696189, MedGen C1720862, MONDO:0012071, OMIM 608594.

Allele frequency attached by ClinVar (database versions not stated): ExAC 0.00005; 1000 Genomes Project 0.00020; 1000 Genomes Project 30x 0.00031.

Submissions (2):

Fulgent Genetics
Classification: Uncertain significance for Congenital generalized lipodystrophy type 1. Last evaluated: 2024-03-01. Review status: criteria provided, single submitter. Criteria: ACMG Guidelines, 2015. Collection method: clinical testing. Allele origin: germline.

Labcorp Genetics (formerly Invitae), Labcorp
Classification: Uncertain significance. Last evaluated: 2023-08-04. Review status: criteria provided, single submitter. Criteria: Invitae Variant Classification Sherloc (09022015). Collection method: clinical testing. Allele origin: germline.
Comment: In summary, the available evidence is currently insufficient to determine the role of this variant in disease. Therefore, it has been classified as a Variant of Uncertain Significance. Algorithms developed to predict the effect of sequence changes on RNA splicing suggest that this variant may create or strengthen a splice site. Advanced modeling of protein sequence and biophysical properties (such as structural, functional, and spatial information, amino acid conservation, physicochemical variation, residue mobility, and thermodynamic stability) has been performed at Invitae for this missense variant, however the output from this modeling did not meet the statistical confidence thresholds required to predict the impact of this variant on AGPAT2 protein function. ClinVar contains an entry for this variant (Variation ID: 1896275). This variant has not been reported in the literature in individuals affected with AGPAT2-related conditions. This variant is present in population databases (rs556809277, gnomAD 0.04%). This sequence change replaces glycine, which is neutral and non-polar, with arginine, which is basic and polar, at codon 75 of the AGPAT2 protein (p.Gly75Arg).